The following is an entry in ClinVar:

ClinVar aggregate classification (germline): Likely benign (1 of 4 stars; one submission).

Allele frequency attached by ClinVar (database versions not stated): TOPMed 0.00006; gnomAD 0.00007; gnomAD exomes 0.00012.
gnomAD v4.1: 44 of 398,610 alleles (0.011%); highest among the groups gnomAD compares: South Asian, 0.076%; no homozygotes.

Submission:

CeGaT Center for Human Genetics Tuebingen
Classification: Likely benign. Last evaluated: 2026-08-01. Review status: criteria provided, single submitter. Criteria: CeGaT Center For Human Genetics Tuebingen Variant Classification Criteria Version 2. Collection method: clinical testing. Allele origin: germline. Affected: yes. Observed: 5 variant alleles.
Comment: KCNQ1OT1: BS2

NM_000218.3(KCNQ1):c.1514+2528C>T

Genes: KCNQ1 (potassium voltage-gated channel subfamily Q member 1; plus strand), KCNQ1OT1 (KCNQ1 opposite strand/antisense transcript 1; minus strand). Cytogenetic location: 11p15.5.
Variant type: single nucleotide variant.
Coding change: c.1514+2528C>T on transcript NM_000218.3 (MANE Select); 2528 bases into the intron after coding-DNA position 1514, C replaced by T.
Molecular consequence: intron variant. On other transcripts: non-coding transcript variant (1).
Genome position (GRCh38, 1-based): chr11:2,664,609, C>T. VCF-style: chr11-2664609-C-T. GRCh37 (hg19) VCF-style: chr11-2685839-C-T.
Other names: c.1244+2528C>T (NM_001406837.1); c.1418+2528C>T (NM_001406836.1); c.974+2528C>T (NM_001406838.1); c.1133+2528C>T (NM_181798.2).
Identifiers: ClinVar variation 2641454 (VCV002641454.24), dbSNP rs1002259659, ClinGen allele CA216173233.